The following is an entry in ClinVar:

ClinVar aggregate classification (germline): Uncertain significance (1 of 4 stars; one submission).

Allele frequency attached by ClinVar (database versions not stated): gnomAD exomes below 0.00001; ExAC 0.00001; gnomAD 0.00001; TOPMed 0.00002.
gnomAD v4.1: 8 of 1,530,186 alleles (0.00052%); highest among the groups gnomAD compares: Admixed American, 0.0021%; no homozygotes.

Submission:

Labcorp Genetics (formerly Invitae), Labcorp
Classification: Uncertain significance. Last evaluated: 2022-03-18. Review status: criteria provided, single submitter. Criteria: Invitae Variant Classification Sherloc (09022015). Collection method: clinical testing. Allele origin: germline.
Comment: This sequence change replaces glutamine, which is neutral and polar, with arginine, which is basic and polar, at codon 91 of the STAT4 protein (p.Gln91Arg). The frequency data for this variant in the population databases is considered unreliable, as metrics indicate poor data quality at this position in the gnomAD database. This variant has not been reported in the literature in individuals affected with STAT4-related conditions. Algorithms developed to predict the effect of missense changes on protein structure and function (SIFT, PolyPhen-2, Align-GVGD) all suggest that this variant is likely to be tolerated. In summary, the available evidence is currently insufficient to determine the role of this variant in disease. Therefore, it has been classified as a Variant of Uncertain Significance.

NM_003151.4(STAT4):c.272A>G (p.Gln91Arg)

Gene: STAT4 (signal transducer and activator of transcription 4; minus strand). Cytogenetic location: 2q32.3.
Variant type: single nucleotide variant.
Coding change: c.272A>G on transcript NM_003151.4 (MANE Select); coding-DNA position 272, A replaced by G.
Protein change: p.Gln91Arg; replaces glutamine 91 with arginine.
Molecular consequence: missense variant.
Genome position (GRCh38, 1-based): chr2:191,146,614, T>C on the plus strand (A>G on the coding strand, the complement: STAT4 is on the minus strand). VCF-style: chr2-191146614-T-C. GRCh37 (hg19) VCF-style: chr2-192011340-T-C.
Other names: c.272A>G, p.Gln91Arg (NM_001243835.2); short protein forms Q91R.
Identifiers: ClinVar variation 1462161 (VCV001462161.6), dbSNP rs773503051, ClinGen allele CA2030965.